The following is an entry in ClinVar:

ClinVar aggregate classification (germline): Uncertain significance (1 of 4 stars; one submission).

Conditions:
Primary ciliary dyskinesia 32. Also called: CILIARY DYSKINESIA, PRIMARY, 32, WITHOUT SITUS INVERSUS. Identifiers: Orphanet 244, MedGen C4225311, MONDO:0014657, OMIM 616481.

Submission:

Labcorp Genetics (formerly Invitae), Labcorp
Classification: Uncertain significance for Primary ciliary dyskinesia 32. Last evaluated: 2022-07-11. Review status: criteria provided, single submitter. Criteria: Invitae Variant Classification Sherloc (09022015). Collection method: clinical testing. Allele origin: germline.
Comment: In summary, the available evidence is currently insufficient to determine the role of this variant in disease. Therefore, it has been classified as a Variant of Uncertain Significance. Algorithms developed to predict the effect of missense changes on protein structure and function are either unavailable or do not agree on the potential impact of this missense change (SIFT: "Deleterious"; PolyPhen-2: "Probably Damaging"; Align-GVGD: "Class C15"). ClinVar contains an entry for this variant (Variation ID: 959978). This variant has not been reported in the literature in individuals affected with RSPH3-related conditions. This variant is not present in population databases (gnomAD no frequency). This sequence change replaces valine, which is neutral and non-polar, with methionine, which is neutral and non-polar, at codon 247 of the RSPH3 protein (p.Val247Met).

NM_031924.8(RSPH3):c.313G>A (p.Val105Met)

Gene: RSPH3 (radial spoke head 3; minus strand). Cytogenetic location: 6q25.3.
Variant type: single nucleotide variant.
Coding change: c.313G>A on transcript NM_031924.8 (MANE Select); coding-DNA position 313, G replaced by A.
Protein change: p.Val105Met; replaces valine 105 with methionine.
Molecular consequence: missense variant. On other transcripts: non-coding transcript variant (1), intron variant (1).
Genome position (GRCh38, 1-based): chr6:158,986,313, C>T on the plus strand (G>A on the coding strand, the complement: RSPH3 is on the minus strand). VCF-style: chr6-158986313-C-T. GRCh37 (hg19) VCF-style: chr6-159407345-C-T.
Other names: c.631-3625G>A (NM_001346418.1); short protein forms V105M.
Identifiers: ClinVar variation 959978 (VCV000959978.10), dbSNP rs1778236429, ClinGen allele CA366282510.